The following is an entry in ClinVar:

NM_002633.3(PGM1):c.1464+14G>A

Gene: PGM1 (phosphoglucomutase 1; plus strand). Cytogenetic location: 1p31.3.
Variant type: single nucleotide variant.
Coding change: c.1464+14G>A on transcript NM_002633.3 (MANE Select); 14 bases into the intron after coding-DNA position 1464, G replaced by A.
Molecular consequence: intron variant.
Genome position (GRCh38, 1-based): chr1:63,651,866, G>A. VCF-style: chr1-63651866-G-A. GRCh37 (hg19) VCF-style: chr1-64117537-G-A.
Other names: c.873+14G>A (NM_001172819.2); c.1518+14G>A (NM_001172818.1).
Identifiers: ClinVar variation 386090 (VCV000386090.5), dbSNP rs2269238, ClinGen allele CA889844.

ClinVar aggregate classification (germline): Likely benign. Review status: criteria provided, multiple submitters, no conflicts (2 of 4 stars). 2 submissions from 2 submitters: Likely benign (2). Last evaluated 2022-02-11.

Conditions:
PGM1-congenital disorder of glycosylation. Also called: Congenital disorder of glycosylation type 1t; PHOSPHOGLUCOMUTASE 1 DEFICIENCY; PGM1 DEFICIENCY; GLYCOGEN STORAGE DISEASE XIV; CDG It; GSD XIV. Identifiers: Orphanet 319646, MedGen C2752015, MONDO:0013968, OMIM 614921.

gnomAD v4.1: 21 of 1,609,788 alleles (0.0013%); highest among the groups gnomAD compares: African/African-American, 0.0027%; no homozygotes.

Submissions (2):

Labcorp Genetics (formerly Invitae), Labcorp
Classification: Likely benign for PGM1-congenital disorder of glycosylation. Last evaluated: 2022-02-11. Review status: criteria provided, single submitter. Criteria: Invitae Variant Classification Sherloc (09022015). Collection method: clinical testing. Allele origin: germline.

GeneDx
Classification: Likely benign. Last evaluated: 2017-03-29. Review status: criteria provided, single submitter. Criteria: GeneDx Variant Classification (06012015). Collection method: clinical testing. Allele origin: germline. Affected: yes.
Comment: This variant is considered likely benign or benign based on one or more of the following criteria: it is a conservative change, it occurs at a poorly conserved position in the protein, it is predicted to be benign by multiple in silico algorithms, and/or has population frequency not consistent with disease.